The following is an entry in ClinVar:

ClinVar aggregate classification (germline): Uncertain significance. Review status: criteria provided, multiple submitters, no conflicts (2 of 4 stars). 2 submissions from 2 submitters: Uncertain significance (2). Last evaluated 2025-12-19.

Allele frequency attached by ClinVar (database versions not stated): gnomAD 0.00006; gnomAD exomes 0.00006 and 0.00016; TOPMed 0.00009; ExAC 0.00012; ESP Exome Variant Server 0.00015.
gnomAD v4.1: 104 of 1,609,944 alleles (0.0065%); highest among the groups gnomAD compares: East Asian, 0.011%; no homozygotes.

Submissions (2):

Labcorp Genetics (formerly Invitae), Labcorp
Classification: Uncertain significance. Last evaluated: 2025-12-19. Review status: criteria provided, single submitter. Criteria: Invitae Variant Classification Sherloc (09022015). Collection method: clinical testing. Allele origin: germline.
Comment: This sequence change replaces arginine, which is basic and polar, with glutamine, which is neutral and polar, at codon 271 of the C9 protein (p.Arg271Gln). This variant is present in population databases (rs200524188, gnomAD 0.2%). This missense change has been observed in individual(s) with clinical features of C9-related conditions (PMID: 35753512). ClinVar contains an entry for this variant (Variation ID: 809751). Invitae Evidence Modeling of protein sequence and biophysical properties (such as structural, functional, and spatial information, amino acid conservation, physicochemical variation, residue mobility, and thermodynamic stability) indicates that this missense variant is not expected to disrupt C9 protein function with a negative predictive value of 80%. In summary, the available evidence is currently insufficient to determine the role of this variant in disease. Therefore, it has been classified as a Variant of Uncertain Significance.

CeGaT Center for Human Genetics Tuebingen
Classification: Uncertain significance. Last evaluated: 2017-03-01. Review status: criteria provided, single submitter. Criteria: CeGaT Center For Human Genetics Tuebingen Variant Classification Criteria Version 2. Collection method: clinical testing. Allele origin: germline. Affected: yes. Observed: 1 variant allele.

Literature cited by the submitters: PubMed 35753512 (cited by Labcorp Genetics (formerly Invitae), Labcorp).

NM_001737.5(C9):c.812G>A (p.Arg271Gln)

Gene: C9 (complement C9; minus strand). Cytogenetic location: 5p13.1.
Variant type: single nucleotide variant.
Coding change: c.812G>A on transcript NM_001737.5 (MANE Select); coding-DNA position 812, G replaced by A.
Protein change: p.Arg271Gln; replaces arginine 271 with glutamine.
Molecular consequence: missense variant.
Genome position (GRCh38, 1-based): chr5:39,315,833, C>T on the plus strand (G>A on the coding strand, the complement: C9 is on the minus strand). VCF-style: chr5-39315833-C-T. GRCh37 (hg19) VCF-style: chr5-39315935-C-T.
Other names: short protein forms R271Q.
Identifiers: ClinVar variation 809751 (VCV000809751.48), dbSNP rs200524188, ClinGen allele CA3246890.